The following is an entry in ClinVar:

NM_001130987.2(DYSF):c.1881T>C (p.Asp627=)

Gene: DYSF (dysferlin; plus strand). Cytogenetic location: 2p13.2.
Variant type: single nucleotide variant.
Coding change: c.1881T>C on transcript NM_001130987.2 (MANE Select); coding-DNA position 1881, T replaced by C.
Protein change: p.Asp627=; no amino-acid change (aspartic acid 627 retained).
Molecular consequence: synonymous variant.
Genome position (GRCh38, 1-based): chr2:71,553,085, T>C. VCF-style: chr2-71553085-T-C. GRCh37 (hg19) VCF-style: chr2-71780215-T-C.
Other names: p.Asp609=; c.1830T>C, p.Asp610= (NM_001130455.2, NM_001130983.2); c.1785T>C, p.Asp595= (NM_001130976.2, NM_001130977.2); c.1827T>C, p.Asp609= (NM_001130978.2, NM_003494.4); c.1920T>C, p.Asp640= (NM_001130979.2); c.1878T>C, p.Asp626= (NM_001130980.2, NM_001130981.2); c.1923T>C, p.Asp641= (NM_001130982.2); c.1788T>C, p.Asp596= (NM_001130984.2, NM_001130986.2); and 1 more.
Identifiers: ClinVar variation 94281 (VCV000094281.41), dbSNP rs2303596, ClinGen allele CA147726.

ClinVar aggregate classification (germline): Benign/Likely benign. Review status: criteria provided, multiple submitters, no conflicts (2 of 4 stars). 19 submissions from 17 submitters: Benign (13); Likely benign (1). 5 of the submissions do not count toward it. Last evaluated 2026-03-15.

Conditions:
Distal myopathy with anterior tibial onset. Identifiers: Orphanet 178400, MedGen C1847532, MONDO:0011721, OMIM 606768.
Miyoshi muscular dystrophy 1 (MMD1). Identifiers: Orphanet 45448, MedGen C4551973, MONDO:0024545, OMIM 254130.
Neuromuscular disease caused by qualitative or quantitative defects of dysferlin. Also called: Dysferlinopathy; Qualitative or quantitative defects of dysferlin. Identifiers: Orphanet 207073, MedGen C2931687, MONDO:0016145.
Autosomal recessive limb-girdle muscular dystrophy type 2B (LGMDR2). Also called: MUSCULAR DYSTROPHY, LIMB-GIRDLE, TYPE 3; Limb-Girdle Muscular Dystrophy Type 2B (LGMD2B); Limb-girdle muscular dystrophy, type 2B; MUSCULAR DYSTROPHY, LIMB-GIRDLE, AUTOSOMAL RECESSIVE 2. Identifiers: Orphanet 268, MedGen C1850889, MONDO:0009676, OMIM 253601.

Allele frequency attached by ClinVar (database versions not stated): gnomAD 0.71202 and 0.69760; ESP Exome Variant Server 0.73489; 1000 Genomes Project 0.57548; 1000 Genomes Project 30x 0.58370; gnomAD exomes 0.64145 and 0.69310; ExAC 0.64302; TOPMed 0.69879.
gnomAD v4.1: 1,118,439 of 1,613,950 alleles (69%); highest among the groups gnomAD compares: African/African-American, 78%; 395,695 homozygotes.

Submissions (19):

Women's Health and Genetics/Laboratory Corporation of America, LabCorp
Classification: Benign. Last evaluated: 2026-03-15. Review status: criteria provided, single submitter. Criteria: LabCorp Variant Classification Summary - May 2015. Collection method: clinical testing. Allele origin: germline.

Labcorp Genetics (formerly Invitae), Labcorp
Classification: Benign for Neuromuscular disease caused by qualitative or quantitative defects of dysferlin. Last evaluated: 2026-02-04. Review status: criteria provided, single submitter. Criteria: Invitae Variant Classification Sherloc (09022015). Collection method: clinical testing. Allele origin: germline.

Blueprint Genetics
Classification: Likely benign. Last evaluated: 2024-11-26. Review status: criteria provided, single submitter. Criteria: ACMG Guidelines, 2015. Collection method: clinical testing. Allele origin: germline.

Genome-Nilou Lab
Classification: Benign for Autosomal recessive limb-girdle muscular dystrophy type 2B. Last evaluated: 2021-07-30. Review status: criteria provided, single submitter. Criteria: ACMG Guidelines, 2015. Collection method: clinical testing. Allele origin: germline. Affected: no.

Genome-Nilou Lab
Classification: Benign for Distal myopathy with anterior tibial onset. Last evaluated: 2021-07-30. Review status: criteria provided, single submitter. Criteria: ACMG Guidelines, 2015. Collection method: clinical testing. Allele origin: germline. Affected: no.

Genome-Nilou Lab
Classification: Benign for Miyoshi muscular dystrophy 1. Last evaluated: 2021-06-10. Review status: criteria provided, single submitter. Criteria: ACMG Guidelines, 2015. Collection method: clinical testing. Allele origin: germline. Affected: no.

Mayo Clinic Laboratories, Mayo Clinic
Classification: Benign. Last evaluated: 2017-07-21. Review status: criteria provided, single submitter. Criteria: ACMG Guidelines, 2015. Collection method: clinical testing. Allele origin: germline. Observed: 1,030 variant alleles.

Illumina Laboratory Services, Illumina
Classification: Benign for Qualitative or quantitative defects of dysferlin. Last evaluated: 2017-04-27. Review status: criteria provided, single submitter. Criteria: ICSL Variant Classification Criteria 13 December 2019. Collection method: clinical testing. Allele origin: germline.
Comment: This variant was observed as part of a predisposition screen in an ostensibly healthy population. A literature search was performed for the gene, cDNA change, and amino acid change (where applicable). No publications were found based on this search. Allele frequency data from public databases was too high to be consistent with this variant causing disease. Therefore, this variant is classified as benign.

Athena Diagnostics
Classification: Benign. Last evaluated: 2017-03-17. Review status: criteria provided, single submitter. Criteria: Athena Diagnostics Criteria. Collection method: clinical testing. Allele origin: germline.

GeneDx
Classification: Benign. Last evaluated: 2016-01-05. Review status: criteria provided, single submitter. Criteria: GeneDx Variant Classification (06012015). Collection method: clinical testing. Allele origin: germline. Affected: yes.
Comment: This variant is considered likely benign or benign based on one or more of the following criteria: it is a conservative change, it occurs at a poorly conserved position in the protein, it is predicted to be benign by multiple in silico algorithms, and/or has population frequency not consistent with disease.

Eurofins Ntd Llc (ga)
Classification: Benign. Last evaluated: 2015-04-24. Review status: criteria provided, single submitter. Criteria: EGL Classification Definitions 2015. Collection method: clinical testing. Allele origin: germline. Observed: 177 variant alleles, 79 heterozygotes, 98 homozygotes.

Laboratory for Molecular Medicine, Mass General Brigham Personalized Medicine
Classification: Benign. Last evaluated: 2015-01-13. Review status: criteria provided, single submitter. Criteria: LMM Criteria. Collection method: clinical testing. Allele origin: germline. Observed: 11 variant alleles.
Comment: p.Asp627Asp in exon 20 of DYSF: This variant is not expected to have clinical si gnificance because it does not alter an amino acid residue and is not located wi thin the splice consensus sequence. It has been identified in 29.0% (2493/8600) of European American chromosomes from a broad population by the NHLBI Exome Sequ encing Project (dbSNP rs2303596).

Breakthrough Genomics
Classification: Benign. Review status: criteria provided, single submitter. Criteria: ACMG Guidelines, 2015. Collection method: not provided. Allele origin: germline. Inheritance: Autosomal recessive inheritance. Affected: yes.

PreventionGenetics, part of Exact Sciences
Classification: Benign. Review status: criteria provided, single submitter. Criteria: ACMG Guidelines, 2015. Collection method: clinical testing. Allele origin: germline.

Natera, Inc.
Classification: Benign for Limb-girdle muscular dystrophy type 2B. Last evaluated: 2020-09-16. Review status: no assertion criteria provided. Collection method: clinical testing. Allele origin: germline. Not counted in ClinVar's aggregate classification.

Clinical Genetics, Academic Medical Center
Classification: Benign. Review status: no assertion criteria provided. Collection method: clinical testing. Allele origin: germline. Affected: yes. Study: VKGL Data-share Consensus. Not counted in ClinVar's aggregate classification.

Diagnostic Laboratory, Department of Genetics, University Medical Center Groningen
Classification: Benign. Review status: no assertion criteria provided. Collection method: clinical testing. Allele origin: germline. Affected: yes. Study: VKGL Data-share Consensus. Not counted in ClinVar's aggregate classification.

Genetic Services Laboratory, University of Chicago
Classification: Likely benign for AllHighlyPenetrant. Review status: no assertion criteria provided. Collection method: clinical testing. Allele origin: germline. Inheritance: Autosomal recessive inheritance. Not counted in ClinVar's aggregate classification.
Comment: Likely benign based on allele frequency in 1000 Genomes Project or ESP global frequency and its presence in a patient with a rare or unrelated disease phenotype. NOT Sanger confirmed.

Joint Genome Diagnostic Labs from Nijmegen and Maastricht, Radboudumc and MUMC+
Classification: Benign. Review status: no assertion criteria provided. Collection method: clinical testing. Allele origin: germline. Affected: yes. Study: VKGL Data-share Consensus. Not counted in ClinVar's aggregate classification.

Literature cited by the submitters: PubMed 24838345 (cited by Athena Diagnostics); PubMed 14678801 (cited by Athena Diagnostics); PubMed 12796534 (cited by Athena Diagnostics); PubMed 15469449 (cited by Athena Diagnostics); PubMed 19493611 (cited by Athena Diagnostics).